The following is an entry in ClinVar:

NM_000051.4(ATM):c.2074_2124+280del

Gene: ATM (ATM serine/threonine kinase; plus strand). Cytogenetic location: 11q22.3.
Variant type: Deletion.
Coding change: c.2074_2124+280del on transcript NM_000051.4 (MANE Select); coding-DNA position 2074 through 280 bases into the intron after coding-DNA position 2124, 331 bases deleted.
Molecular consequence: splice donor variant.
Genome position (GRCh38, 1-based): chr11:108,253,989-108,254,319, 331 bases deleted. GRCh37 (hg19): chr11:108,124,716-108,125,046.
Other names: c.2074_2124+280del (NM_001351834.2).
Identifiers: ClinVar variation 2773060 (VCV002773060.3), dbSNP rs2497317144, ClinGen allele CA2697548962.

ClinVar aggregate classification (germline): Likely pathogenic (1 of 4 stars; one submission).

Conditions:
Ataxia-telangiectasia syndrome (AT). Also called: Cerebello-oculocutaneous telangiectasia; Immunodeficiency with ataxia telangiectasia; Ataxia-telangiectasia, complementation group E; Ataxia telangiectasia (A-T); LOUIS-BAR SYNDROME; ATAXIA-TELANGIECTASIA, COMPLEMENTATION GROUP A. Identifiers: Orphanet 100, MedGen C0004135, MONDO:0008840, OMIM 208900.

Submission:

Labcorp Genetics (formerly Invitae), Labcorp
Classification: Likely pathogenic for Ataxia-telangiectasia syndrome. Last evaluated: 2023-10-31. Review status: criteria provided, single submitter. Criteria: Invitae Variant Classification Sherloc (09022015). Collection method: clinical testing. Allele origin: germline.
Comment: This variant results in the deletion of part of exon 13 (c.2074_2124+280del) of the ATM gene. It is expected to disrupt RNA splicing. Variants that disrupt the donor or acceptor splice site typically lead to a loss of protein function (PMID: 16199547), and loss-of-function variants in ATM are known to be pathogenic (PMID: 23807571, 25614872). This variant is not present in population databases (gnomAD no frequency). This variant has not been reported in the literature in individuals affected with ATM-related conditions. In summary, the currently available evidence indicates that the variant is pathogenic, but additional data are needed to prove that conclusively. Therefore, this variant has been classified as Likely Pathogenic.

Literature cited by the submitters: PubMed 16199547; PubMed 23807571; PubMed 25614872.